The following is an entry in ClinVar:

ClinVar aggregate classification (germline): Benign/Likely benign. Review status: criteria provided, multiple submitters, no conflicts (2 of 4 stars). 2 submissions from 2 submitters: Benign (1); Likely benign (1). Last evaluated 2025-12-16.

Conditions:
Brugada syndrome 5 (BRGDA5). Identifiers: Orphanet 130, Orphanet 871, MedGen C2748541, MONDO:0013015, OMIM 612838.

Allele frequency attached by ClinVar (database versions not stated): gnomAD 0.00001; TOPMed 0.00001; gnomAD exomes 0.00003 and 0.00006; ExAC 0.00005.
gnomAD v4.1: 88 of 1,552,052 alleles (0.0057%); highest among the groups gnomAD compares: Non-Finnish European, 0.0072%; no homozygotes.

Submissions (2):

Labcorp Genetics (formerly Invitae), Labcorp
Classification: Likely benign for Brugada syndrome 5. Last evaluated: 2025-12-16. Review status: criteria provided, single submitter. Criteria: Invitae Variant Classification Sherloc (09022015). Collection method: clinical testing. Allele origin: germline.

GeneDx
Classification: Benign. Last evaluated: 2014-09-15. Review status: criteria provided, single submitter. Criteria: GeneDx Variant Classification (06012015). Collection method: clinical testing. Allele origin: germline. Affected: yes.
Comment: This variant is considered likely benign or benign based on one or more of the following criteria: it is a conservative change, it occurs at a poorly conserved position in the protein, it is predicted to be benign by multiple in silico algorithms, and/or has population frequency not consistent with disease.

NM_001037.5(SCN1B):c.448+230C>T

Gene: SCN1B (sodium voltage-gated channel beta subunit 1; plus strand). Cytogenetic location: 19q13.11.
Variant type: single nucleotide variant.
Coding change: c.448+230C>T on transcript NM_001037.5 (MANE Select); 230 bases into the intron after coding-DNA position 448, C replaced by T.
Molecular consequence: intron variant. On other transcripts: synonymous variant (1).
Genome position (GRCh38, 1-based): chr19:35,033,969, C>T. VCF-style: chr19-35033969-C-T. GRCh37 (hg19) VCF-style: chr19-35524873-C-T.
Other names: p.S226S:TCC>TCT; c.678C>T, p.Ser226= (NM_199037.5); c.349+230C>T (NM_001321605.2).
Identifiers: ClinVar variation 190848 (VCV000190848.10), dbSNP rs769132369, ClinGen allele CA302133.